The following is an entry in ClinVar:

ClinVar aggregate classification (germline): Uncertain significance (1 of 4 stars; one submission).

Allele frequency attached by ClinVar (database versions not stated): gnomAD 0.00001; TOPMed 0.00002.
gnomAD v4.1: 15 of 1,613,992 alleles (0.00093%); highest among the groups gnomAD compares: African/African-American, 0.0067%; no homozygotes.

Submission:

Labcorp Genetics (formerly Invitae), Labcorp
Classification: Uncertain significance. Last evaluated: 2025-10-05. Review status: criteria provided, single submitter. Criteria: Invitae Variant Classification Sherloc (09022015). Collection method: clinical testing. Allele origin: germline.
Comment: This sequence change replaces proline, which is neutral and non-polar, with leucine, which is neutral and non-polar, at codon 356 of the COL9A2 protein (p.Pro356Leu). This variant is present in population databases (no rsID available, gnomAD 0.007%). This variant has not been reported in the literature in individuals affected with COL9A2-related conditions. ClinVar contains an entry for this variant (Variation ID: 2167802). Invitae Evidence Modeling of protein sequence and biophysical properties (such as structural, functional, and spatial information, amino acid conservation, physicochemical variation, residue mobility, and thermodynamic stability) indicates that this missense variant is not expected to disrupt COL9A2 protein function with a negative predictive value of 95%. In summary, the available evidence is currently insufficient to determine the role of this variant in disease. Therefore, it has been classified as a Variant of Uncertain Significance.

NM_001852.4(COL9A2):c.1067C>T (p.Pro356Leu)

Gene: COL9A2 (collagen type IX alpha 2 chain; minus strand). Cytogenetic location: 1p34.2.
Variant type: single nucleotide variant.
Coding change: c.1067C>T on transcript NM_001852.4 (MANE Select); coding-DNA position 1067, C replaced by T.
Protein change: p.Pro356Leu; replaces proline 356 with leucine.
Molecular consequence: missense variant.
Genome position (GRCh38, 1-based): chr1:40,305,755, G>A on the plus strand (C>T on the coding strand, the complement: COL9A2 is on the minus strand). VCF-style: chr1-40305755-G-A. GRCh37 (hg19) VCF-style: chr1-40771427-G-A.
Other names: short protein forms P356L.
Identifiers: ClinVar variation 2167802 (VCV002167802.4), dbSNP rs760181989, ClinGen allele CA339851137.